The following is an entry in ClinVar:

NM_144499.3(GNAT1):c.377T>C (p.Leu126Pro)

Gene: GNAT1 (G protein subunit alpha transducin 1; plus strand). Cytogenetic location: 3p21.31.
Variant type: single nucleotide variant.
Coding change: c.377T>C on transcript NM_144499.3 (MANE Select); coding-DNA position 377, T replaced by C.
Protein change: p.Leu126Pro; replaces leucine 126 with proline.
Molecular consequence: missense variant.
Genome position (GRCh38, 1-based): chr3:50,193,591, T>C. VCF-style: chr3-50193591-T-C. GRCh37 (hg19) VCF-style: chr3-50231024-T-C.
Other names: c.377T>C, p.Leu126Pro (NM_000172.4); short protein forms L126P.
Identifiers: ClinVar variation 1913168 (VCV001913168.5), dbSNP rs763156863, ClinGen allele CA352915060.
Genomic context (GRCh38, chr3:50,193,591, plus strand): 5'-TGGCAGACACTATCGAGGAGGGCACGATGCCCAAGGAGATGTCGGACATCATCCAGCGGC[T>C]GTGGAAGGACTCCGGTATCCAGGCCTGTTTTGAGCGCGCCTCGGAGTACCAGCTCAACGA-3'
Protein context (NP_653082.1, residues 116-136): PKEMSDIIQR[Leu126Pro]WKDSGIQACF

ClinVar aggregate classification (germline): Uncertain significance (1 of 4 stars; one submission).

Submission:

Labcorp Genetics (formerly Invitae), Labcorp
Classification: Uncertain significance. Last evaluated: 2022-04-28. Review status: criteria provided, single submitter. Criteria: Invitae Variant Classification Sherloc (09022015). Collection method: clinical testing. Allele origin: germline.
Comment: In summary, the available evidence is currently insufficient to determine the role of this variant in disease. Therefore, it has been classified as a Variant of Uncertain Significance. Algorithms developed to predict the effect of missense changes on protein structure and function (SIFT, PolyPhen-2, Align-GVGD) all suggest that this variant is likely to be disruptive. This variant has not been reported in the literature in individuals affected with GNAT1-related conditions. This variant is not present in population databases (gnomAD no frequency). This sequence change replaces leucine, which is neutral and non-polar, with proline, which is neutral and non-polar, at codon 126 of the GNAT1 protein (p.Leu126Pro).